The following is an entry in ClinVar:

ClinVar aggregate classification (germline): Likely pathogenic (1 of 4 stars; one submission).

Submission:

GeneDx
Classification: Likely pathogenic. Last evaluated: 2018-02-21. Review status: criteria provided, single submitter. Criteria: GeneDx Variant Classification (06012015). Collection method: clinical testing. Allele origin: germline. Affected: yes.
Comment: The W119G variant in the NHEJ1 gene has not been reported previously as a pathogenic variant, nor as a benign variant, to our knowledge. The W119G variant is not observed in large population cohorts (Lek et al., 2016; 1000 Genomes Consortium et al., 2015; Exome Variant Server). The W119G variant is a semi-conservative amino acid substitution, which occurs at a position that is conserved across species. In silico analysis predicts this variant is probably damaging to the protein structure/function. The W119G variant is a strong candidate for a pathogenic variant.

NM_024782.3(NHEJ1):c.355T>G (p.Trp119Gly)

Gene: NHEJ1 (non-homologous end joining factor 1; minus strand). Cytogenetic location: 2q35.
Variant type: single nucleotide variant.
Coding change: c.355T>G on transcript NM_024782.3 (MANE Select); coding-DNA position 355, T replaced by G.
Protein change: p.Trp119Gly; replaces tryptophan 119 with glycine.
Molecular consequence: missense variant. On other transcripts: non-coding transcript variant (1).
Genome position (GRCh38, 1-based): chr2:219,157,507, A>C on the plus strand (T>G on the coding strand, the complement: NHEJ1 is on the minus strand). VCF-style: chr2-219157507-A-C. GRCh37 (hg19) VCF-style: chr2-220022229-A-C.
Other names: c.355T>G, p.Trp119Gly (NM_001377498.1, NM_001377499.1); short protein forms W119G.
Identifiers: ClinVar variation 424538 (VCV000424538.2), dbSNP rs1064797028, ClinGen allele CA16617473.